The following is an entry in ClinVar:

ClinVar aggregate classification (germline): Conflicting classifications of pathogenicity. Review status: criteria provided, conflicting classifications (1 of 4 stars). 3 submissions from 3 submitters: Uncertain significance (2); Likely benign (1). Last evaluated 2025-12-10.

Conditions:
KANK1-related disorder. Also called: KANK1-related condition.

Allele frequency attached by ClinVar (database versions not stated): TOPMed 0.00005; ExAC 0.00007.
gnomAD v4.1: 90 of 1,613,762 alleles (0.0056%); highest among the groups gnomAD compares: South Asian, 0.03%; 1 homozygote.

Submissions (3):

PreventionGenetics, part of Exact Sciences
Classification: Uncertain significance for KANK1-related condition. Last evaluated: 2025-12-10. Review status: criteria provided, single submitter. Criteria: ACMG Guidelines, 2015. Collection method: clinical testing. Allele origin: germline.
Comment: The KANK1 c.1984G>A variant is predicted to result in the amino acid substitution p.Val662Ile. To our knowledge, this variant has not been reported in the literature. This variant is reported in 0.026% of alleles in individuals of South Asian descent in gnomAD. At this time, the clinical significance of this variant is uncertain due to the absence of conclusive functional and genetic evidence.

Ambry Genetics
Classification: Likely benign. Last evaluated: 2025-07-15. Review status: criteria provided, single submitter. Criteria: Ambry Variant Classification Scheme 2023. Collection method: clinical testing. Allele origin: germline.

Labcorp Genetics (formerly Invitae), Labcorp
Classification: Uncertain significance. Last evaluated: 2024-10-17. Review status: criteria provided, single submitter. Criteria: Invitae Variant Classification Sherloc (09022015). Collection method: clinical testing. Allele origin: germline.
Comment: This sequence change replaces valine, which is neutral and non-polar, with isoleucine, which is neutral and non-polar, at codon 662 of the KANK1 protein (p.Val662Ile). This variant is present in population databases (rs777850142, gnomAD 0.03%). This variant has not been reported in the literature in individuals affected with KANK1-related conditions. ClinVar contains an entry for this variant (Variation ID: 2191139). Invitae Evidence Modeling of protein sequence and biophysical properties (such as structural, functional, and spatial information, amino acid conservation, physicochemical variation, residue mobility, and thermodynamic stability) indicates that this missense variant is not expected to disrupt KANK1 protein function with a negative predictive value of 80%. In summary, the available evidence is currently insufficient to determine the role of this variant in disease. Therefore, it has been classified as a Variant of Uncertain Significance.

NM_015158.5(KANK1):c.1984G>A (p.Val662Ile)

Gene: KANK1 (KN motif and ankyrin repeat domains 1; plus strand). Cytogenetic location: 9p24.3.
Variant type: single nucleotide variant.
Coding change: c.1984G>A on transcript NM_015158.5 (MANE Select); coding-DNA position 1984, G replaced by A.
Protein change: p.Val662Ile; replaces valine 662 with isoleucine.
Molecular consequence: missense variant. On other transcripts: non-coding transcript variant (1).
Genome position (GRCh38, 1-based): chr9:712,750, G>A. VCF-style: chr9-712750-G-A. GRCh37 (hg19) VCF-style: chr9-712750-G-A.
Other names: c.1984G>A, p.Val662Ile (NM_001256876.3, NM_001256877.3, NM_001354331.2 and 2 more transcripts); c.1510G>A, p.Val504Ile (NM_001354333.2, NM_001354335.2, NM_001354336.2 and 9 more transcripts); c.1984G>A (NM_015158.2, NM_015158.3); short protein forms V504I, V662I.
Identifiers: ClinVar variation 2191139 (VCV002191139.6), dbSNP rs777850142, ClinGen allele CA4960386.